The following is an entry in ClinVar:

ClinVar aggregate classification (germline): Pathogenic (1 of 4 stars; one submission).

Conditions:
Ehlers-Danlos syndrome, classic type, 1 (EDSCL1). Also called: Ehlers-Danlos Syndrome, Classic Type, COL5A1-Related; EHLERS-DANLOS SYNDROME, GRAVIS TYPE; EHLERS-DANLOS SYNDROME, SEVERE CLASSIC TYPE; Ehlers-Danlos syndrome, type 1; EDS I. Identifiers: MedGen C0268335, MONDO:0019567, OMIM 130000.

Submission:

Labcorp Genetics (formerly Invitae), Labcorp
Classification: Pathogenic for Ehlers-Danlos syndrome, classic type, 1. Last evaluated: 2022-05-05. Review status: criteria provided, single submitter. Criteria: Invitae Variant Classification Sherloc (09022015). Collection method: clinical testing. Allele origin: germline.
Comment: This sequence change creates a premature translational stop signal (p.Gly1258*) in the COL5A1 gene. It is expected to result in an absent or disrupted protein product. Loss-of-function variants in COL5A1 are known to be pathogenic (PMID: 23587214). For these reasons, this variant has been classified as Pathogenic. This variant is not present in population databases (gnomAD no frequency). This variant has not been reported in the literature in individuals affected with COL5A1-related conditions.

Literature cited by the submitters: PubMed 23587214.

NM_000093.5(COL5A1):c.3772G>T (p.Gly1258Ter)

Gene: COL5A1 (collagen type V alpha 1 chain; plus strand). Cytogenetic location: 9q34.3.
Variant type: single nucleotide variant.
Coding change: c.3772G>T on transcript NM_000093.5 (MANE Select); coding-DNA position 3772, G replaced by T.
Protein change: p.Gly1258Ter; replaces glycine 1258 with a stop codon.
Molecular consequence: nonsense.
Genome position (GRCh38, 1-based): chr9:134,812,632, G>T. VCF-style: chr9-134812632-G-T. GRCh37 (hg19) VCF-style: chr9-137704478-G-T.
Other names: c.3772G>T, p.Gly1258Ter (NM_001278074.1); short protein forms G1258*.
Identifiers: ClinVar variation 2133021 (VCV002133021.4), dbSNP rs866225395, ClinGen allele CA375454870.